The following is an entry in ClinVar:

NM_001098816.3(TENM4):c.1255+9G>T

Gene: TENM4 (teneurin transmembrane protein 4; minus strand). Cytogenetic location: 11q14.1.
Variant type: single nucleotide variant.
Coding change: c.1255+9G>T on transcript NM_001098816.3 (MANE Select); 9 bases into the intron after coding-DNA position 1255, G replaced by T.
Molecular consequence: intron variant.
Genome position (GRCh38, 1-based): chr11:78,862,953, C>A on the plus strand (G>T on the coding strand, the complement: TENM4 is on the minus strand). VCF-style: chr11-78862953-C-A. GRCh37 (hg19) VCF-style: chr11-78573998-C-A.
Other names: p.?.
Identifiers: ClinVar variation 768469 (VCV000768469.7), dbSNP rs141485307, ClinGen allele CA6207570.

ClinVar aggregate classification (germline): Benign. Review status: criteria provided, multiple submitters, no conflicts (2 of 4 stars). 3 submissions from 3 submitters: Benign (2). 1 of the submissions does not count toward it. Last evaluated 2024-06-06.

Conditions:
TENM4-related disorder. Also called: TENM4-related condition.

Allele frequency attached by ClinVar (database versions not stated): gnomAD exomes 0.00218 and 0.00461; ESP Exome Variant Server 0.00394; gnomAD 0.00277 and 0.00265; ExAC 0.00375; TOPMed 0.00303; 1000 Genomes Project 0.00180; 1000 Genomes Project 30x 0.00219.
gnomAD v4.1: 6,261 of 1,437,780 alleles (0.44%); highest among the groups gnomAD compares: Non-Finnish European, 0.54%; 19 homozygotes.

Submissions (3):

Mayo Clinic Laboratories, Mayo Clinic
Classification: Benign. Last evaluated: 2024-06-06. Review status: criteria provided, single submitter. Criteria: ACMG Guidelines, 2015. Collection method: clinical testing. Allele origin: germline. Observed: 4 variant alleles.
Comment: BS1, BS2, BP4, BP7

Labcorp Genetics (formerly Invitae), Labcorp
Classification: Benign. Last evaluated: 2019-12-31. Review status: criteria provided, single submitter. Criteria: Invitae Variant Classification Sherloc (09022015). Collection method: clinical testing. Allele origin: germline.

PreventionGenetics, part of Exact Sciences
Classification: Benign for TENM4-related condition. Last evaluated: 2019-06-21. Review status: no assertion criteria provided. Collection method: clinical testing. Allele origin: germline. Not counted in ClinVar's aggregate classification.
Comment: This variant is classified as benign based on ACMG/AMP sequence variant interpretation guidelines (Richards et al. 2015 PMID: 25741868, with internal and published modifications).